The following is an entry in ClinVar:

ClinVar aggregate classification (germline): Uncertain significance (1 of 4 stars; one submission).

Conditions:
Baller-Gerold syndrome (BGS). Also called: CRANIOSYNOSTOSIS WITH RADIAL DEFECTS. Identifiers: Orphanet 1225, MedGen C0265308, MONDO:0009039, OMIM 218600.

Allele frequency attached by ClinVar (database versions not stated): gnomAD exomes below 0.00001.
gnomAD v4.1: 1 of 1,609,314 alleles (0.000062%); highest among the groups gnomAD compares: Non-Finnish European, 0.000085%; no homozygotes.

Submission:

Labcorp Genetics (formerly Invitae), Labcorp
Classification: Uncertain significance for Baller-Gerold syndrome. Last evaluated: 2022-04-30. Review status: criteria provided, single submitter. Criteria: Invitae Variant Classification Sherloc (09022015). Collection method: clinical testing. Allele origin: germline.
Comment: In summary, the available evidence is currently insufficient to determine the role of this variant in disease. Therefore, it has been classified as a Variant of Uncertain Significance. Algorithms developed to predict the effect of sequence changes on RNA splicing suggest that this variant may disrupt the consensus splice site. Experimental studies and prediction algorithms are not available or were not evaluated, and the functional significance of this variant is currently unknown. This variant has not been reported in the literature in individuals affected with RECQL4-related conditions. This variant is not present in population databases (gnomAD no frequency). This sequence change replaces glutamine, which is neutral and polar, with arginine, which is basic and polar, at codon 235 of the RECQL4 protein (p.Gln235Arg).

NM_004260.4(RECQL4):c.704A>G (p.Gln235Arg)

Gene: RECQL4 (RecQ like helicase 4; minus strand). Cytogenetic location: 8q24.3.
Variant type: single nucleotide variant.
Coding change: c.704A>G on transcript NM_004260.4 (MANE Select); coding-DNA position 704, A replaced by G.
Protein change: p.Gln235Arg; replaces glutamine 235 with arginine.
Molecular consequence: missense variant.
Genome position (GRCh38, 1-based): chr8:144,516,415, T>C on the plus strand (A>G on the coding strand, the complement: RECQL4 is on the minus strand). VCF-style: chr8-144516415-T-C. GRCh37 (hg19) VCF-style: chr8-145741799-T-C.
Other names: short protein forms Q235R.
Identifiers: ClinVar variation 1508279 (VCV001508279.6), dbSNP rs1586824485, ClinGen allele CA372689594.
Genomic context (GRCh38, chr8:144,516,415, plus strand): 5'-CTGGGCTGGGGGCTCCCCACACGGATGCTGACTTCTTGGAAGGCTGAAGCCTCTGGGCCC[T>C]GGGAGCCAGCACCAGGACCAAGGACAGCCGACTCACCAGGGATCAGAAGTTGTGATTCCT-3'
Protein context (NP_004251.4, residues 225-245): SAVLGPGAGS[Gln235Arg]GPEASAFQEV